The following is an entry in ClinVar:

ClinVar aggregate classification (germline): Uncertain significance (1 of 4 stars; one submission).

Submission:

Ambry Genetics
Classification: Uncertain significance. Last evaluated: 2024-09-30. Review status: criteria provided, single submitter. Criteria: Ambry Variant Classification Scheme 2023. Collection method: clinical testing. Allele origin: germline.
Comment: The p.Q1138R variant (also known as c.3413A>G), located in coding exon 4 of the ALPK2 gene, results from an A to G substitution at nucleotide position 3413. The glutamine at codon 1138 is replaced by arginine, an amino acid with highly similar properties. This amino acid position is conserved. In addition, this alteration is predicted to be tolerated by in silico analysis. Based on the available evidence, the clinical significance of this variant remains unclear.

NM_052947.4(ALPK2):c.3413A>G (p.Gln1138Arg)

Gene: ALPK2 (alpha kinase 2; minus strand). Cytogenetic location: 18q21.31.
Variant type: single nucleotide variant.
Coding change: c.3413A>G on transcript NM_052947.4 (MANE Select); coding-DNA position 3413, A replaced by G.
Protein change: p.Gln1138Arg; replaces glutamine 1138 with arginine.
Molecular consequence: missense variant.
Genome position (GRCh38, 1-based): chr18:58,536,774, T>C on the plus strand (A>G on the coding strand, the complement: ALPK2 is on the minus strand). VCF-style: chr18-58536774-T-C. GRCh37 (hg19) VCF-style: chr18-56204006-T-C.
Other names: short protein forms Q1138R.
Identifiers: ClinVar variation 3531614 (VCV003531614.1).